The following is an entry in ClinVar:

NC_000021.8:g.(?_47848289)_(47865240_?)dup

Gene: PCNT (pericentrin; plus strand). Cytogenetic location: 21q22.3.
Variant type: Duplication.
Identifiers: ClinVar variation 1446872 (VCV001446872.3).

ClinVar aggregate classification (germline): Uncertain significance (1 of 4 stars; one submission).

Submission:

Labcorp Genetics (formerly Invitae), Labcorp
Classification: Uncertain significance. Last evaluated: 2021-10-27. Review status: criteria provided, single submitter. Criteria: Invitae Variant Classification Sherloc (09022015). Collection method: clinical testing. Allele origin: germline.
Comment: This variant results in a copy number gain of the genomic region encompassing exon(s) 35-47 of the PCNT gene. This region includes the termination codon of the gene. This copy number gain extends beyond the assayed region for this gene and therefore may encompass additional genes. As the precise location of this event is unknown, it may be in tandem or it may be located elsewhere in the genome. This variant has not been reported in the literature in individuals affected with PCNT-related conditions. Experimental studies and prediction algorithms are not available or were not evaluated, and the functional significance of this variant is currently unknown. In summary, the available evidence is currently insufficient to determine the role of this variant in disease. Therefore, it has been classified as a Variant of Uncertain Significance.